The following is an entry in ClinVar:

NM_001165963.4(SCN1A):c.964+4_964+5insAAGATTCAAGTAAAAAAANNNNNGGCCGGGCGCGGTGGCTCACGCCTGTAA

Gene: SCN1A (sodium voltage-gated channel alpha subunit 1; minus strand). Cytogenetic location: 2q24.3.
Variant type: Insertion.
Coding change: c.964+4_964+5insAAGATTCAAGTAAAAAAANNNNNGGCCGGGCGCGGTGGCTCACGCCTGTAA on transcript NM_001165963.4 (MANE Select); bases 4 to 5 of the intron after coding-DNA position 964, AAGATTCAAGTAAAAAAANNNNNGGCCGGGCGCGGTGGCTCACGCCTGTAA inserted.
Molecular consequence: splice donor variant.
Genome position: GRCh38: chr2:166,051,727-166,051,728. GRCh37 (hg19): chr2:166,908,237-166,908,238.
Other names: c.964+4_964+5insAAGATTCAAGTAAAAAAANNNNNGGCCGGGCGCGGTGGCTCACGCCTGTAA (NM_001353949.2, NM_001353958.2, NM_001353950.2 and 10 more transcripts); c.-1462+4_-1462+5insAAGATTCAAGTAAAAAAANNNNNGGCCGGGCGCGGTGGCTCACGCCTGTAA (NM_001353961.2).
Identifiers: ClinVar variation 2039589 (VCV002039589.4), dbSNP rs2468220469.

ClinVar aggregate classification (germline): Uncertain significance (1 of 4 stars; one submission).

Conditions:
Early-infantile DEE. Also called: Ohtahara syndrome; Early infantile epileptic encephalopathy with suppression bursts; Early infantile epileptic encephalopathy. Identifiers: Orphanet 1934, MedGen C0393706, MONDO:0800491.

Submission:

Labcorp Genetics (formerly Invitae), Labcorp
Classification: Uncertain significance for Early-infantile DEE. Last evaluated: 2022-02-28. Review status: criteria provided, single submitter. Criteria: Invitae Variant Classification Sherloc (09022015). Collection method: clinical testing. Allele origin: germline.
Comment: This sequence change falls in intron 6 of the SCN1A gene. It does not directly change the encoded amino acid sequence of the SCN1A protein. It affects a nucleotide within the consensus splice site. This variant is not present in population databases (gnomAD no frequency). This variant has not been reported in the literature in individuals affected with SCN1A-related conditions. Variants that disrupt the consensus splice site are a relatively common cause of aberrant splicing (PMID: 17576681, 9536098). Algorithms developed to predict the effect of sequence changes on RNA splicing suggest that this variant may disrupt the consensus splice site. In summary, the available evidence is currently insufficient to determine the role of this variant in disease. Therefore, it has been classified as a Variant of Uncertain Significance.

Literature cited by the submitters: PubMed 17576681; PubMed 9536098.